The following is an entry in ClinVar:

NM_001130438.3(SPTAN1):c.1650+1G>A

Gene: SPTAN1 (spectrin alpha, non-erythrocytic 1; plus strand). Cytogenetic location: 9q34.11.
Variant type: single nucleotide variant.
Coding change: c.1650+1G>A on transcript NM_001130438.3 (MANE Select); the canonical splice donor site of the intron after coding-DNA position 1650, G replaced by A.
Molecular consequence: splice donor variant.
Genome position (GRCh38, 1-based): chr9:128,582,557, G>A. VCF-style: chr9-128582557-G-A. GRCh37 (hg19) VCF-style: chr9-131344836-G-A.
Other names: c.1686+1G>A (NM_001375318.1, NM_001375312.2); c.1650+1G>A (NM_001375311.2, NM_001375314.2, NM_001375310.1 and 5 more transcripts).
Identifiers: ClinVar variation 3765808 (VCV003765808.2).

ClinVar aggregate classification (germline): Likely pathogenic. Review status: criteria provided, multiple submitters, no conflicts (2 of 4 stars). 2 submissions from 2 submitters: Likely pathogenic (2). Last evaluated 2026-04-07.

Conditions:
SPTAN1-related disorder. Also called: SPTAN1-related disorders; SPTAN1-related condition.

Submissions (2):

GeneDx
Classification: Likely pathogenic. Last evaluated: 2026-04-07. Review status: criteria provided, single submitter. Criteria: GeneDx Variant Classification Process June 2021. Collection method: clinical testing. Allele origin: germline.
Comment: Canonical splice site variant predicted to result in an in-frame loss of the adjacent exon in a gene for which loss of function is a known mechanism of disease; Not observed at significant frequency in large population cohorts (gnomAD); Has not been previously published as pathogenic or benign to our knowledge

Greenwood Genetic Center Diagnostic Laboratories, Greenwood Genetic Center
Classification: Likely pathogenic for SPTAN1-related disorder. Last evaluated: 2024-12-09. Review status: criteria provided, single submitter. Criteria: ACMG Guidelines, 2015. Collection method: clinical testing. Allele origin: germline. Affected: yes.
Comment: PM2, PP3_Strong